The following is an entry in ClinVar:

NM_002769.5(PRSS1):c.413A>G (p.Lys138Arg)

Genes: TRB (T cell receptor beta locus; plus strand), PRSS1 (serine protease 1; plus strand). Cytogenetic location: 7q34.
Variant type: single nucleotide variant.
Coding change: c.413A>G on transcript NM_002769.5 (MANE Select); coding-DNA position 413, A replaced by G.
Protein change: p.Lys138Arg; replaces lysine 138 with arginine.
Molecular consequence: missense variant. On other transcripts: non-coding transcript variant (5).
Genome position (GRCh38, 1-based): chr7:142,751,986, A>G. VCF-style: chr7-142751986-A-G. GRCh37 (hg19) VCF-style: chr7-142459837-A-G.
Other names: short protein forms K138R.
Identifiers: ClinVar variation 2448226 (VCV002448226.2), dbSNP rs2116978593, ClinGen allele CA369609114.

ClinVar aggregate classification (germline): Uncertain significance (1 of 4 stars; one submission).

Conditions:
Hereditary pancreatitis (PCTT). Also called: Hereditary chronic pancreatitis; PRSS1-Related Hereditary Pancreatitis. Identifiers: Orphanet 676, MedGen C0238339, MONDO:0008185, OMIM 167800.

Allele frequency attached by ClinVar (database versions not stated): gnomAD exomes below 0.00001.

Submission:

Ambry Genetics
Classification: Uncertain significance for Hereditary pancreatitis. Last evaluated: 2023-01-20. Review status: criteria provided, single submitter. Criteria: Ambry Variant Classification Scheme 2023. Collection method: clinical testing. Allele origin: germline.
Comment: The p.K138R variant (also known as c.413A>G), located in coding exon 3 of the PRSS1 gene, results from an A to G substitution at nucleotide position 413. The lysine at codon 138 is replaced by arginine, an amino acid with highly similar properties. This amino acid position is poorly conserved in available vertebrate species. In addition, this alteration is predicted to be tolerated by in silico analysis. Since supporting evidence is limited at this time, the clinical significance of this alteration remains unclear.